The following is an entry in ClinVar:

ClinVar aggregate classification (germline): Pathogenic (1 of 4 stars; one submission).

Conditions:
Episodic kinesigenic dyskinesia (EKD). Also called: Paroxysmal kinesigenic dyskinesia. Identifiers: Orphanet 98809, MedGen C1868682, MONDO:0044202.

Submission:

Labcorp Genetics (formerly Invitae), Labcorp
Classification: Pathogenic for Episodic kinesigenic dyskinesia. Last evaluated: 2024-12-19. Review status: criteria provided, single submitter. Criteria: Invitae Variant Classification Sherloc (09022015). Collection method: clinical testing. Allele origin: germline.
Comment: This sequence change creates a premature translational stop signal (p.Pro254Argfs*4) in the PRRT2 gene. It is expected to result in an absent or disrupted protein product. Loss-of-function variants in PRRT2 are known to be pathogenic (PMID: 22623405, 22744660). This variant is not present in population databases (gnomAD no frequency). This variant has not been reported in the literature in individuals affected with PRRT2-related conditions. For these reasons, this variant has been classified as Pathogenic.

Literature cited by the submitters: PubMed 22623405; PubMed 22744660.

NM_145239.3(PRRT2):c.761_768del (p.Pro254fs)

Genes: MVP-DT (MVP divergent transcript; minus strand), PRRT2 (proline rich transmembrane protein 2; plus strand). Cytogenetic location: 16p11.2.
Variant type: Deletion.
Coding change: c.761_768del on transcript NM_145239.3 (MANE Select); coding-DNA positions 761 to 768, 8 bases deleted (CTGGGGTG; older notation c.761_768delCTGGGGTG).
Protein change: p.Pro254fs; shifts the reading frame from proline 254.
Molecular consequence: frameshift variant.
Genome position (GRCh38, 1-based): chr16:29,813,815-29,813,822, CTGGGGTG deleted. VCF-style (leftmost placement, unchanged base first): chr16-29813814-CCTGGGGTG-C. GRCh37 (hg19) VCF-style: chr16-29825135-CCTGGGGTG-C.
Other names: c.761_768del, p.Pro254fs (NM_001256442.2, NM_001256443.2); short protein forms P254fs.
Identifiers: ClinVar variation 3727662 (VCV003727662.2).
Genomic context (GRCh38, chr16:29,813,814, plus strand): 5'-GGGCATCCAGGATCTCCCCGAGGTAGCCTGAGCCGCCACCCCAGCTCCCAGTTGGCAGGT[CCTGGGGTG>C]GAGGGGGGTGAAGGCACCCAGAAACCTCGGGACTACATCATCCTTGCCATCCTGTCCTGC-3'